The following is an entry in ClinVar:

NM_021830.5(TWNK):c.2000G>A (p.Cys667Tyr)

Gene: TWNK (twinkle mtDNA helicase; plus strand). Cytogenetic location: 10q24.31.
Variant type: single nucleotide variant.
Coding change: c.2000G>A on transcript NM_021830.5 (MANE Select); coding-DNA position 2000, G replaced by A.
Protein change: p.Cys667Tyr; replaces cysteine 667 with tyrosine.
Molecular consequence: missense variant. On other transcripts: 3 prime UTR variant (2), non-coding transcript variant (5).
Genome position (GRCh38, 1-based): chr10:100,993,455, G>A. VCF-style: chr10-100993455-G-A. GRCh37 (hg19) VCF-style: chr10-102753212-G-A.
Other names: c.*295G>A (NM_001163812.2, NM_001163814.2); c.638G>A, p.Cys213Tyr (NM_001163813.2, NM_001368275.1); short protein forms C213Y, C667Y.
Identifiers: ClinVar variation 1306993 (VCV001306993.2), dbSNP rs374146818, ClinGen allele CA5653383.

ClinVar aggregate classification (germline): Uncertain significance (1 of 4 stars; one submission).

Allele frequency attached by ClinVar (database versions not stated): gnomAD exomes below 0.00001; TOPMed below 0.00001; ExAC 0.00001; gnomAD 0.00001; ESP Exome Variant Server 0.00008.

Submission:

GeneDx
Classification: Uncertain significance. Last evaluated: 2019-07-25. Review status: criteria provided, single submitter. Criteria: GeneDx Variant Classification Process June 2021. Collection method: clinical testing. Allele origin: germline. Affected: yes.
Comment: Has not been previously published as pathogenic or benign to our knowledge; In silico analysis, which includes protein predictors and evolutionary conservation, supports that this variant does not alter protein structure/function